The following is an entry in ClinVar:

ClinVar aggregate classification (germline): Uncertain significance. Review status: criteria provided, multiple submitters, no conflicts (2 of 4 stars). 5 submissions from 5 submitters: Uncertain significance (5). Last evaluated 2025-01-13.

Conditions:
Hypogonadotropic hypogonadism 2 with or without anosmia (HH2). Also called: HYPOGONADOTROPIC HYPOGONADISM 2 WITHOUT ANOSMIA; HYPOGONADOTROPIC HYPOGONADISM 2 WITH OR WITHOUT ANOSMIA, SUSCEPTIBILITY TO; HYPOGONADOTROPIC HYPOGONADISM 2 WITHOUT ANOSMIA, SUSCEPTIBILITY TO; FGFR1-Related GnRH Deficiency (Kallmann Syndrome 2). Identifiers: Orphanet 478, MedGen C1563720, MONDO:0007844, OMIM 147950. Disease mechanism: loss of function.
Inborn genetic diseases. Identifiers: MedGen C0950123, MeSH D030342.
Pfeiffer syndrome (ACS5). Also called: ACS V. Identifiers: Orphanet 710, MedGen C0220658, MONDO:0007043, OMIM 101600.
Jackson-Weiss syndrome (JWS). Also called: CRANIOSYNOSTOSIS, MIDFACIAL HYPOPLASIA, AND FOOT ABNORMALITIES. Identifiers: Orphanet 1540, MedGen C0795998, MONDO:0007400, OMIM 123150. Disease mechanism: loss of function.
Osteoglophonic dysplasia (OGD). Also called: Osteoglophonic dwarfism. Identifiers: Orphanet 2645, MedGen C0432283, MONDO:0008150, OMIM 166250.
Encephalocraniocutaneous lipomatosis (ECCL). Identifiers: Orphanet 2396, MedGen C0406612, MONDO:0013074, OMIM 613001.
Hartsfield-Bixler-Demyer syndrome (HRTFDS). Also called: Holoprosencephaly, ectrodactyly, and bilateral cleft lip/palate; Hartsfield syndrome; FGFR1-Related Hartsfield Syndrome. Identifiers: Orphanet 2117, MedGen C1845146, MONDO:0014196, OMIM 615465. Disease mechanism: loss of function.
Trigonocephaly 1 (TRIGNO1). Identifiers: Orphanet 3366, MedGen C0432122, MONDO:0008603, OMIM 190440.

Allele frequency attached by ClinVar (database versions not stated): gnomAD 0.00001; TOPMed 0.00002; gnomAD exomes 0.00001.
gnomAD v4.1: 5 of 1,613,898 alleles (0.00031%); highest among the groups gnomAD compares: Admixed American, 0.0033%; no homozygotes.

Submissions (5):

Dasa
Classification: Uncertain significance. Last evaluated: 2025-01-13. Review status: criteria provided, single submitter. Criteria: DASA Assertion Criteria. Collection method: clinical testing. Allele origin: germline.
Comment: NM_023110.3(FGFR1):c.205G>A (p.Asp69Asn) is a missense variant that results in the substitution of aspartic acid with asparagine. This variant is rare in population databases. Computational prediction algorithms are consistent with a benign effect. The currently available literature and clinical evidence are not sufficient to establish a definitive association between this variant and the reported condition. Therefore, this variant is classified as a variant of uncertain significance.

Fulgent Genetics
Classification: Uncertain significance for Pfeiffer syndrome; Jackson-Weiss syndrome; Hypogonadotropic hypogonadism 2 with or without anosmia; Osteoglophonic dysplasia; Trigonocephaly 1; Encephalocraniocutaneous lipomatosis; Hartsfield-Bixler-Demyer syndrome. Last evaluated: 2024-06-19. Review status: criteria provided, single submitter. Criteria: ACMG Guidelines, 2015. Collection method: clinical testing. Allele origin: germline.

Labcorp Genetics (formerly Invitae), Labcorp
Classification: Uncertain significance for Pfeiffer syndrome; Hypogonadotropic hypogonadism 2 with or without anosmia. Last evaluated: 2023-08-30. Review status: criteria provided, single submitter. Criteria: Invitae Variant Classification Sherloc (09022015). Collection method: clinical testing. Allele origin: germline.
Comment: In summary, the available evidence is currently insufficient to determine the role of this variant in disease. Therefore, it has been classified as a Variant of Uncertain Significance. Advanced modeling of protein sequence and biophysical properties (such as structural, functional, and spatial information, amino acid conservation, physicochemical variation, residue mobility, and thermodynamic stability) has been performed at Invitae for this missense variant, however the output from this modeling did not meet the statistical confidence thresholds required to predict the impact of this variant on FGFR1 protein function. This sequence change replaces aspartic acid, which is acidic and polar, with asparagine, which is neutral and polar, at codon 69 of the FGFR1 protein (p.Asp69Asn). This variant is present in population databases (no rsID available, gnomAD 0.003%). This variant has not been reported in the literature in individuals affected with FGFR1-related conditions. ClinVar contains an entry for this variant (Variation ID: 2252300).

Reproductive Endocrine Unit, Massachusetts General Hospital
Classification: Uncertain significance for Hypogonadotropic hypogonadism 2 with or without anosmia. Last evaluated: 2023-05-04. Review status: criteria provided, single submitter. Criteria: ACMG Guidelines, 2015. Collection method: research. Allele origin: unknown. Affected: yes. Observed: 1 variant allele.

Ambry Genetics
Classification: Uncertain significance for Inborn genetic diseases. Last evaluated: 2021-09-27. Review status: criteria provided, single submitter. Criteria: Ambry Variant Classification Scheme 2023. Collection method: clinical testing. Allele origin: germline.

NM_023110.3(FGFR1):c.205G>A (p.Asp69Asn)

Gene: FGFR1 (fibroblast growth factor receptor 1; minus strand). Cytogenetic location: 8p11.23.
Variant type: single nucleotide variant.
Coding change: c.205G>A on transcript NM_023110.3 (MANE Select); coding-DNA position 205, G replaced by A.
Protein change: p.Asp69Asn; replaces aspartic acid 69 with asparagine.
Molecular consequence: missense variant. On other transcripts: intron variant (5).
Genome position (GRCh38, 1-based): chr8:38,429,835, C>T on the plus strand (G>A on the coding strand, the complement: FGFR1 is on the minus strand). VCF-style: chr8-38429835-C-T. GRCh37 (hg19) VCF-style: chr8-38287353-C-T.
Other names: c.205G>A, p.Asp69Asn (NM_000604.2, NM_001174063.2, NM_001174065.2 and 4 more transcripts); c.181G>A, p.Asp61Asn (NM_001174064.2); c.304G>A, p.Asp102Asn (NM_001174067.2); c.92-1400G>A (NM_001354368.2, NM_001354370.2, NM_023106.3 and 2 more transcripts); short protein forms D69N, D102N, D61N.
Identifiers: ClinVar variation 2252300 (VCV002252300.9), dbSNP rs1309311395, ClinGen allele CA370736437.